The following is an entry in ClinVar:

NM_006545.5(NPRL2):c.932+3C>G

Gene: NPRL2 (NPR2 like, GATOR1 complex subunit; minus strand). Cytogenetic location: 3p21.31.
Variant type: single nucleotide variant.
Coding change: c.932+3C>G on transcript NM_006545.5 (MANE Select); 3 bases into the intron after coding-DNA position 932, C replaced by G.
Molecular consequence: intron variant.
Genome position (GRCh38, 1-based): chr3:50,348,121, G>C on the plus strand (C>G on the coding strand, the complement: NPRL2 is on the minus strand). VCF-style: chr3-50348121-G-C. GRCh37 (hg19) VCF-style: chr3-50385552-G-C.
Identifiers: ClinVar variation 4882177 (VCV004882177.2).

ClinVar aggregate classification (germline): Uncertain significance (1 of 4 stars; one submission).

Submission:

Dasa
Classification: Uncertain significance. Last evaluated: 2025-02-27. Review status: criteria provided, single submitter. Criteria: DASA Assertion Criteria. Collection method: clinical testing. Allele origin: germline.
Comment: NM_006545.5(NPRL2):c.932+3C>G is a splice-region variant. This variant is absent from population databases. Computational prediction algorithms are consistent with a benign effect. The currently available literature and clinical evidence are not sufficient to establish a definitive association between this variant and the reported condition. Therefore, this variant is classified as a variant of uncertain significance.